The following is an entry in ClinVar:

NM_198428.3(BBS9):c.625G>T (p.Val209Leu)

Gene: BBS9 (Bardet-Biedl syndrome 9; plus strand). Cytogenetic location: 7p14.3.
Variant type: single nucleotide variant.
Coding change: c.625G>T on transcript NM_198428.3 (MANE Select); coding-DNA position 625, G replaced by T.
Protein change: p.Val209Leu; replaces valine 209 with leucine.
Molecular consequence: missense variant. On other transcripts: non-coding transcript variant (3).
Genome position (GRCh38, 1-based): chr7:33,264,297, G>T. VCF-style: chr7-33264297-G-T. GRCh37 (hg19) VCF-style: chr7-33303909-G-T.
Other names: c.625G>T, p.Val209Leu (NM_001033604.2, NM_001033605.2, NM_001348036.1 and 7 more transcripts); c.259G>T, p.Val87Leu (NM_001348037.3, NM_001348044.3, NM_001348045.3 and 1 more transcripts); c.352G>T, p.Val118Leu (NM_001348038.3, NM_001348039.3); c.490G>T, p.Val164Leu (NM_001348042.3); short protein forms V87L, V164L, V209L, V118L.
Identifiers: ClinVar variation 2098428 (VCV002098428.4), dbSNP rs2535094719, ClinGen allele CA367253401.

ClinVar aggregate classification (germline): Uncertain significance (1 of 4 stars; one submission).

Conditions:
Bardet-Biedl syndrome (BBS). Identifiers: Orphanet 110, MedGen C0752166, MONDO:0015229.

Submission:

Labcorp Genetics (formerly Invitae), Labcorp
Classification: Uncertain significance for Bardet-Biedl syndrome. Last evaluated: 2022-04-23. Review status: criteria provided, single submitter. Criteria: Invitae Variant Classification Sherloc (09022015). Collection method: clinical testing. Allele origin: germline.
Comment: In summary, the available evidence is currently insufficient to determine the role of this variant in disease. Therefore, it has been classified as a Variant of Uncertain Significance. Experimental studies have shown that this missense change affects BBS9 function (PMID: 33616283). Algorithms developed to predict the effect of missense changes on protein structure and function are either unavailable or do not agree on the potential impact of this missense change (SIFT: "Deleterious"; PolyPhen-2: "Benign"; Align-GVGD: "Class C25"). This variant has not been reported in the literature in individuals affected with BBS9-related conditions. This variant is not present in population databases (gnomAD no frequency). This sequence change replaces valine, which is neutral and non-polar, with leucine, which is neutral and non-polar, at codon 209 of the BBS9 protein (p.Val209Leu).

Literature cited by the submitters: PubMed 33616283.